The following is an entry in ClinVar:

ClinVar aggregate classification (germline): Uncertain significance. Review status: criteria provided, multiple submitters, no conflicts (2 of 4 stars). 2 submissions from 2 submitters: Uncertain significance (2). Last evaluated 2022-05-17.

Conditions:
VPS13A-related neurodegenerative disease. Also called: LEVINE-CRITCHLEY SYNDROME; Choreoacanthocytosis; Chorea-acanthocytosis; ACANTHOCYTOSIS WITH NEUROLOGIC DISORDER; VPS13A Disease; Choreaacanthocytosis. Identifiers: Orphanet 2388, MedGen C0393576, MONDO:0008695, OMIM 200150.

Allele frequency attached by ClinVar (database versions not stated): gnomAD exomes 0.00001; TOPMed 0.00001; ExAC 0.00003.
gnomAD v4.1: 7 of 1,613,208 alleles (0.00043%); highest among the groups gnomAD compares: Admixed American, 0.012%; no homozygotes.

Submissions (2):

Labcorp Genetics (formerly Invitae), Labcorp
Classification: Uncertain significance. Last evaluated: 2022-05-17. Review status: criteria provided, single submitter. Criteria: Invitae Variant Classification Sherloc (09022015). Collection method: clinical testing. Allele origin: germline.
Comment: This sequence change replaces aspartic acid, which is acidic and polar, with tyrosine, which is neutral and polar, at codon 271 of the VPS13A protein (p.Asp271Tyr). This variant is present in population databases (rs746048000, gnomAD 0.02%). This variant has not been reported in the literature in individuals affected with VPS13A-related conditions. Algorithms developed to predict the effect of missense changes on protein structure and function are either unavailable or do not agree on the potential impact of this missense change (SIFT: "Deleterious"; PolyPhen-2: "Probably Damaging"; Align-GVGD: "Class C0"). In summary, the available evidence is currently insufficient to determine the role of this variant in disease. Therefore, it has been classified as a Variant of Uncertain Significance.

Revvity Omics, Revvity
Classification: Uncertain significance for VPS13A-related neurodegenerative disease. Last evaluated: 2021-12-28. Review status: criteria provided, single submitter. Criteria: ACMG Guidelines, 2015. Collection method: clinical testing. Allele origin: germline.

NM_033305.3(VPS13A):c.811G>T (p.Asp271Tyr)

Gene: VPS13A (vacuolar protein sorting 13 homolog A; plus strand). Cytogenetic location: 9q21.2.
Variant type: single nucleotide variant.
Coding change: c.811G>T on transcript NM_033305.3 (MANE Select); coding-DNA position 811, G replaced by T.
Protein change: p.Asp271Tyr; replaces aspartic acid 271 with tyrosine.
Molecular consequence: missense variant.
Genome position (GRCh38, 1-based): chr9:77,220,010, G>T. VCF-style: chr9-77220010-G-T. GRCh37 (hg19) VCF-style: chr9-79834926-G-T.
Other names: c.811G>T, p.Asp271Tyr (NM_001018037.2, NM_001018038.3, NM_015186.4); short protein forms D271Y.
Identifiers: ClinVar variation 2415079 (VCV002415079.8), dbSNP rs746048000, ClinGen allele CA5091488.
Genomic context (GRCh38, chr9:77,220,010, plus strand): 5'-TCAGTATTTCGTCCCATATCTGCTAATGCCAAACTTGTGATGAATCGCCGATCTGATTTT[G>T]ACTTTTCTGCCCCCAAAATAAACTTGGAAATTGAGTTACATAACATAGCAATTGAATTTA-3'
Protein context (NP_150648.2, residues 261-281): KLVMNRRSDF[Asp271Tyr]FSAPKINLEI